The following is an entry in ClinVar:

ClinVar aggregate classification (germline): Uncertain significance. Review status: criteria provided, multiple submitters, no conflicts (2 of 4 stars). 2 submissions from 2 submitters: Uncertain significance (2). Last evaluated 2024-12-26.

Conditions:
Inborn genetic diseases. Identifiers: MedGen C0950123, MeSH D030342.

Submissions (2):

Ambry Genetics
Classification: Uncertain significance for Inborn genetic diseases. Last evaluated: 2024-12-26. Review status: criteria provided, single submitter. Criteria: Ambry Variant Classification Scheme 2023. Collection method: clinical testing. Allele origin: germline.
Comment: The p.G27E variant (also known as c.80G>A), located in coding exon 1 of the USB1 gene, results from a G to A substitution at nucleotide position 80. The glycine at codon 27 is replaced by glutamic acid, an amino acid with similar properties. This amino acid position is conserved. In addition, this alteration is predicted to be tolerated by in silico analysis. Based on the available evidence, the clinical significance of this variant remains unclear.

Labcorp Genetics (formerly Invitae), Labcorp
Classification: Uncertain significance. Last evaluated: 2024-05-05. Review status: criteria provided, single submitter. Criteria: Invitae Variant Classification Sherloc (09022015). Collection method: clinical testing. Allele origin: germline.
Comment: This sequence change replaces glycine, which is neutral and non-polar, with glutamic acid, which is acidic and polar, at codon 27 of the USB1 protein (p.Gly27Glu). The frequency data for this variant in the population databases is considered unreliable, as metrics indicate poor data quality at this position in the gnomAD database. This variant has not been reported in the literature in individuals affected with USB1-related conditions. Algorithms developed to predict the effect of missense changes on protein structure and function output the following: SIFT: "Not Available"; PolyPhen-2: "Benign"; Align-GVGD: "Not Available". The glutamic acid amino acid residue is found in multiple mammalian species, which suggests that this missense change does not adversely affect protein function. In summary, the available evidence is currently insufficient to determine the role of this variant in disease. Therefore, it has been classified as a Variant of Uncertain Significance.

NM_024598.4(USB1):c.80G>A (p.Gly27Glu)

Genes: USB1 (U6 snRNA biogenesis phosphodiesterase 1; plus strand), LOC130059131 (ATAC-STARR-seq lymphoblastoid active region 10920; plus strand). Cytogenetic location: 16q21.
Variant type: single nucleotide variant.
Coding change: c.80G>A on transcript NM_024598.4 (MANE Select); coding-DNA position 80, G replaced by A.
Protein change: p.Gly27Glu; replaces glycine 27 with glutamic acid.
Molecular consequence: missense variant. On other transcripts: intron variant (1).
Genome position (GRCh38, 1-based): chr16:58,001,563, G>A. VCF-style: chr16-58001563-G-A. GRCh37 (hg19) VCF-style: chr16-58035467-G-A.
Other names: c.80G>A, p.Gly27Glu (NM_001195302.2, NM_001204911.2, NM_001330569.2); c.-55-916G>A (NM_001330568.2); short protein forms G27E.
Identifiers: ClinVar variation 3710427 (VCV003710427.2).